The following is an entry in ClinVar:

NM_018669.6(WDR4):c.861G>A (p.Ala287=)

Gene: WDR4 (WDR4 tRNA N7-guanosine methyltransferase non-catalytic subunit; minus strand). Cytogenetic location: 21q22.3.
Variant type: single nucleotide variant.
Coding change: c.861G>A on transcript NM_018669.6 (MANE Select); coding-DNA position 861, G replaced by A.
Protein change: p.Ala287=; no amino-acid change (alanine 287 retained).
Molecular consequence: synonymous variant. On other transcripts: non-coding transcript variant (1).
Genome position (GRCh38, 1-based): chr21:42,853,683, C>T on the plus strand (G>A on the coding strand, the complement: WDR4 is on the minus strand). VCF-style: chr21-42853683-C-T. GRCh37 (hg19) VCF-style: chr21-44273793-C-T.
Other names: c.858G>A, p.Ala286= (NM_001260474.2); c.423G>A, p.Ala141= (NM_001260475.2, NM_001260476.2, NM_001260477.2); c.861G>A, p.Ala287= (NM_033661.5).
Identifiers: ClinVar variation 1571314 (VCV001571314.26), dbSNP rs146066316, ClinGen allele CA10045901.

ClinVar aggregate classification (germline): Benign/Likely benign. Review status: criteria provided, multiple submitters, no conflicts (2 of 4 stars). 3 submissions from 3 submitters: Benign (1); Likely benign (2). Last evaluated 2025-12-22.

Allele frequency attached by ClinVar (database versions not stated): 1000 Genomes Project 30x 0.00016; 1000 Genomes Project 0.00020; gnomAD exomes 0.00051 and 0.00094; gnomAD 0.00052 and 0.00054; TOPMed 0.00056; ESP Exome Variant Server 0.00077; ExAC 0.00134.
gnomAD v4.1: 850 of 1,582,646 alleles (0.054%); highest among the groups gnomAD compares: Middle Eastern, 0.15%; 2 homozygotes.

Submissions (3):

Labcorp Genetics (formerly Invitae), Labcorp
Classification: Benign. Last evaluated: 2025-12-22. Review status: criteria provided, single submitter. Criteria: Invitae Variant Classification Sherloc (09022015). Collection method: clinical testing. Allele origin: germline.

Blueprint Genetics
Classification: Likely benign. Last evaluated: 2024-09-24. Review status: criteria provided, single submitter. Criteria: ACMG Guidelines, 2015. Collection method: clinical testing. Allele origin: germline.

CeGaT Center for Human Genetics Tuebingen
Classification: Likely benign. Last evaluated: 2024-07-01. Review status: criteria provided, single submitter. Criteria: CeGaT Center For Human Genetics Tuebingen Variant Classification Criteria Version 2. Collection method: clinical testing. Allele origin: germline. Affected: yes. Observed: 1 variant allele.
Comment: WDR4: BP4, BP7